The following is an entry in ClinVar:

ClinVar aggregate classification (germline): Benign. Review status: criteria provided, multiple submitters, no conflicts (2 of 4 stars). 8 submissions from 7 submitters: Benign (8). Last evaluated 2026-02-04.

Conditions:
Bifunctional peroxisomal enzyme deficiency (DBIF). Also called: PBFE DEFICIENCY; D-bifunctional protein deficiency; DBP DEFICIENCY. Identifiers: Orphanet 300, MedGen C0342870, MONDO:0009855, OMIM 261515. Disease mechanism: loss of function.
Perrault syndrome. Also called: Gonadal dysgenesis with auditory dysfunction, autosomal recessive inheritance. Identifiers: Orphanet 2855, MedGen C0685838, MONDO:0017312.
Perrault syndrome 1 (PRLTS1). Also called: GONADAL DYSGENESIS, XX TYPE, WITH DEAFNESS; OVARIAN DYSGENESIS WITH SENSORINEURAL DEAFNESS. Identifiers: Orphanet 2855, Orphanet 642945, MedGen C4551721, MONDO:0009300, OMIM 233400.

Allele frequency attached by ClinVar (database versions not stated): gnomAD exomes 0.00699 and 0.00302; ESP Exome Variant Server 0.00054; TOPMed 0.00422; gnomAD 0.00265 and 0.00366; 1000 Genomes Project 30x 0.01249; 1000 Genomes Project 0.01338; ExAC 0.00673.
gnomAD v4.1: 5,070 of 1,611,912 alleles (0.31%); highest among the groups gnomAD compares: East Asian, 8.4%; 180 homozygotes.

Submissions (8):

Labcorp Genetics (formerly Invitae), Labcorp
Classification: Benign for Perrault syndrome; Bifunctional peroxisomal enzyme deficiency. Last evaluated: 2026-02-04. Review status: criteria provided, single submitter. Criteria: Invitae Variant Classification Sherloc (09022015). Collection method: clinical testing. Allele origin: germline.

Fulgent Genetics
Classification: Benign for Perrault syndrome 1; Bifunctional peroxisomal enzyme deficiency. Last evaluated: 2022-02-23. Review status: criteria provided, single submitter. Criteria: ACMG Guidelines, 2015. Collection method: clinical testing. Allele origin: unknown.

Athena Diagnostics
Classification: Benign. Last evaluated: 2018-12-11. Review status: criteria provided, single submitter. Criteria: Athena Diagnostics Criteria. Collection method: clinical testing. Allele origin: germline.

Women's Health and Genetics/Laboratory Corporation of America, LabCorp
Classification: Benign. Last evaluated: 2018-02-01. Review status: criteria provided, single submitter. Criteria: LabCorp Variant Classification Summary - May 2015. Collection method: clinical testing. Allele origin: germline.
Comment: Variant summary: HSD17B4 c.2060C>T (p.Thr687Ile) results in a non-conservative amino acid change located in the SCP2 sterol-binding domain of in the encoded protein sequence. Four of five in-silico tools predict a damaging effect of the variant on protein function. The variant allele was found at a frequency of 0.0065 in 276846 control chromosomes, predominantly at a frequency of 0.08 within the East Asian subpopulation in the gnomAD database, including 57 homozygotes. The observed variant frequency within East Asian control individuals in the gnomAD database is approximately 27.045 fold of the estimated maximal expected allele frequency for a pathogenic variant in HSD17B4 causing D-Bifunctional Protein Deficiency phenotype (0.003), strongly suggesting that the variant is a benign polymorphism found primarily in populations of East Asian origin. Multiple clinical diagnostic laboratories classified the variant as benign/likely benign. Based on the evidence outlined above, the variant was classified as benign.

Illumina Laboratory Services, Illumina
Classification: Benign for Perrault syndrome 1. Last evaluated: 2018-01-13. Review status: criteria provided, single submitter. Criteria: ICSL Variant Classification Criteria 13 December 2019. Collection method: clinical testing. Allele origin: germline.
Comment: This variant was observed in the ICSL laboratory as part of a predisposition screen in an ostensibly healthy population. It had not been previously curated by ICSL or reported in the Human Gene Mutation Database (HGMD: prior to June 1st, 2018), and was therefore a candidate for classification through an automated scoring system. Utilizing variant allele frequency, disease prevalence and penetrance estimates, and inheritance mode, an automated score was calculated to assess if this variant is too frequent to cause the disease. Based on the score and internal cut-off values, a variant classified as benign is not then subjected to further curation. The score for this variant resulted in a classification of benign for this disease.

Illumina Laboratory Services, Illumina
Classification: Benign for Bifunctional peroxisomal enzyme deficiency. Last evaluated: 2018-01-13. Review status: criteria provided, single submitter. Criteria: ICSL Variant Classification Criteria 13 December 2019. Collection method: clinical testing. Allele origin: germline.
Comment: the same text as in the submission from Illumina Laboratory Services, Illumina above.

GeneDx
Classification: Benign. Last evaluated: 2017-09-20. Review status: criteria provided, single submitter. Criteria: GeneDx Variant Classification (06012015). Collection method: clinical testing. Allele origin: germline. Affected: yes.
Comment: This variant is considered likely benign or benign based on one or more of the following criteria: it is a conservative change, it occurs at a poorly conserved position in the protein, it is predicted to be benign by multiple in silico algorithms, and/or has population frequency not consistent with disease.

Laboratory for Molecular Medicine, Mass General Brigham Personalized Medicine
Classification: Benign. Last evaluated: 2014-11-24. Review status: criteria provided, single submitter. Criteria: LMM Criteria. Collection method: clinical testing. Allele origin: germline. Observed: 7 variant alleles.
Comment: Thr712Ile in exon 24 of HSD17B4: This variant is not expected to have clinical s ignificance because it has been identified in 6.5% (13/200) of Han Chinese chrom osomes from a broad population by the 1000 Genomes Project (.; dbSNP rs28943592).

NM_000414.4(HSD17B4):c.2060C>T (p.Thr687Ile)

Gene: HSD17B4 (hydroxysteroid 17-beta dehydrogenase 4; plus strand). Cytogenetic location: 5q23.1.
Variant type: single nucleotide variant.
Coding change: c.2060C>T on transcript NM_000414.4 (MANE Select); coding-DNA position 2060, C replaced by T.
Protein change: p.Thr687Ile; replaces threonine 687 with isoleucine.
Molecular consequence: missense variant. On other transcripts: non-coding transcript variant (2).
Genome position (GRCh38, 1-based): chr5:119,536,489, C>T. VCF-style: chr5-119536489-C-T. GRCh37 (hg19) VCF-style: chr5-118872184-C-T.
Other names: c.2135C>T, p.Thr712Ile (NM_001199291.3); c.2006C>T, p.Thr669Ile (NM_001199292.2); c.1988C>T, p.Thr663Ile (NM_001292027.2, NM_001374498.1); c.1640C>T, p.Thr547Ile (NM_001292028.2); c.2051C>T, p.Thr684Ile (NM_001374497.1); c.1733C>T, p.Thr578Ile (NM_001374499.1); c.1619C>T, p.Thr540Ile (NM_001374500.1); c.1649C>T, p.Thr550Ile (NM_001374501.1, NM_001374502.1, NM_001374503.1); short protein forms T687I, T712I, T663I, T669I, T547I, T550I, T540I, T578I.
Identifiers: ClinVar variation 226669 (VCV000226669.21), dbSNP rs28943592, ClinGen allele CA3382504.